The following is an entry in ClinVar:

NM_000053.4(ATP7B):c.2833A>G (p.Ile945Val)

Gene: ATP7B (ATPase copper transporting beta; minus strand). Cytogenetic location: 13q14.3.
Variant type: single nucleotide variant.
Coding change: c.2833A>G on transcript NM_000053.4 (MANE Select); coding-DNA position 2833, A replaced by G.
Protein change: p.Ile945Val; replaces isoleucine 945 with valine.
Molecular consequence: missense variant. On other transcripts: intron variant (1).
Genome position (GRCh38, 1-based): chr13:51,949,694, T>C on the plus strand (A>G on the coding strand, the complement: ATP7B is on the minus strand). VCF-style: chr13-51949694-T-C. GRCh37 (hg19) VCF-style: chr13-52523830-T-C.
Other names: c.2833A>G (NM_000053.3); c.2500A>G, p.Ile834Val (NM_001243182.2); c.2599A>G, p.Ile867Val (NM_001330578.2, NM_001406527.1, NM_001406528.1 and 1 more transcripts); c.2581A>G, p.Ile861Val (NM_001330579.2, NM_001406531.1, NM_001406532.1 and 1 more transcripts); c.2833A>G, p.Ile945Val (NM_001406511.1, NM_001406512.1, NM_001406513.1 and 3 more transcripts); c.2800A>G, p.Ile934Val (NM_001406514.1); c.2737A>G, p.Ile913Val (NM_001406517.1, NM_001406518.1); c.2689A>G, p.Ile897Val (NM_001406520.1, NM_001406521.1, NM_001406522.1 and 1 more transcripts); and 10 more; short protein forms I515V, I867V, I886V, I897V, I729V, I835V, I945V, I751V.
Identifiers: ClinVar variation 2174870 (VCV002174870.4), dbSNP rs373757123, ClinGen allele CA6988900.
Genomic context (GRCh38, chr13:51,949,694, plus strand): 5'-ACCATATAGCCCAAGGCATTCAACTTACAGGAAAGTATCTCTGAACAACACCAAAATCGA[T>C]AAAACCGATTACAATCCATACCACCAACGTCAAAGTTGACATGATGATGATAAATGGGAC-3'
Protein context (NP_000044.2, residues 935-955): TLVVWIVIGF[Ile945Val]DFGVVQRYFP

ClinVar aggregate classification (germline): Uncertain significance. Review status: criteria provided, multiple submitters, no conflicts (2 of 4 stars). 4 submissions from 4 submitters: Uncertain significance (4). Last evaluated 2024-03-25.

Conditions:
Wilson disease (WND). Also called: Wilson's disease. Identifiers: Orphanet 905, MedGen C0019202, MONDO:0010200, OMIM 277900. Disease mechanism: loss of function.

Allele frequency attached by ClinVar (database versions not stated): gnomAD exomes 0.00001; ExAC 0.00002; TOPMed 0.00002; gnomAD 0.00004; ESP Exome Variant Server 0.00008.
gnomAD v4.1: 14 of 1,613,942 alleles (0.00087%); highest among the groups gnomAD compares: African/African-American, 0.019%; no homozygotes.

Submissions (4):

Fulgent Genetics
Classification: Uncertain significance for Wilson disease. Last evaluated: 2024-03-25. Review status: criteria provided, single submitter. Criteria: ACMG Guidelines, 2015. Collection method: clinical testing. Allele origin: germline.

All of Us Research Program, National Institutes of Health
Classification: Uncertain significance for Wilson disease. Last evaluated: 2023-12-18. Review status: criteria provided, single submitter. Criteria: ACMG Guidelines, 2015. Collection method: clinical testing. Allele origin: germline. Inheritance: Autosomal recessive inheritance. Observed: 2 variant alleles, 2 heterozygotes.
Comment: This missense variant replaces isoleucine with valine at codon 945 of the ATP7B protein. Computational prediction suggests that this variant may not impact protein structure and function (internally defined REVEL score threshold <= 0.5, PMID: 27666373). To our knowledge, functional studies have not been reported for this variant. This variant has not been reported in individuals affected with Wilson disease in the literature. This variant has been identified in 8/280704 chromosomes in the general population by the Genome Aggregation Database (gnomAD). The available evidence is insufficient to determine the role of this variant in disease conclusively. Therefore, this variant is classified as a Variant of Uncertain Significance.

This study involves interpretation of variants in research participants for the purpose of population health screening. Participant phenotype was not available at the time of variant classification. Additional details can be found in publication PMID: 35346344, PMCID: PMC8962531

GeneDx
Classification: Uncertain significance. Last evaluated: 2023-06-23. Review status: criteria provided, single submitter. Criteria: GeneDx Variant Classification Process June 2021. Collection method: clinical testing. Allele origin: germline. Affected: yes.
Comment: In silico analysis supports that this missense variant does not alter protein structure/function; Has not been previously published as pathogenic or benign to our knowledge

Labcorp Genetics (formerly Invitae), Labcorp
Classification: Uncertain significance for Wilson disease. Last evaluated: 2022-08-09. Review status: criteria provided, single submitter. Criteria: Invitae Variant Classification Sherloc (09022015). Collection method: clinical testing. Allele origin: germline.
Comment: This sequence change replaces isoleucine, which is neutral and non-polar, with valine, which is neutral and non-polar, at codon 945 of the ATP7B protein (p.Ile945Val). This variant is present in population databases (rs373757123, gnomAD 0.03%). This variant has not been reported in the literature in individuals affected with ATP7B-related conditions. Advanced modeling of protein sequence and biophysical properties (such as structural, functional, and spatial information, amino acid conservation, physicochemical variation, residue mobility, and thermodynamic stability) performed at Invitae indicates that this missense variant is not expected to disrupt ATP7B protein function. In summary, the available evidence is currently insufficient to determine the role of this variant in disease. Therefore, it has been classified as a Variant of Uncertain Significance.